The following is an entry in ClinVar:

NM_000363.5(TNNI3):c.108+6A>G

Gene: TNNI3 (troponin I3, cardiac type; minus strand). Cytogenetic location: 19q13.42.
Variant type: single nucleotide variant.
Coding change: c.108+6A>G on transcript NM_000363.5 (MANE Select); 6 bases into the intron after coding-DNA position 108, A replaced by G.
Molecular consequence: intron variant.
Genome position (GRCh38, 1-based): chr19:55,157,044, T>C on the plus strand (A>G on the coding strand, the complement: TNNI3 is on the minus strand). VCF-style: chr19-55157044-T-C. GRCh37 (hg19) VCF-style: chr19-55668412-T-C.
Identifiers: ClinVar variation 3893865 (VCV003893865.1).

ClinVar aggregate classification (germline): Uncertain significance (1 of 4 stars; one submission).

Conditions:
Cardiomyopathy (CMYO). Also called: Cardiomyopathies. Identifiers: Orphanet 167848, MedGen C0878544, MONDO:0004994, HP:0001638. Inheritance: Various modes of inheritance.

Submission:

Color Diagnostics, LLC DBA Color Health
Classification: Uncertain significance for Cardiomyopathy. Last evaluated: 2023-11-13. Review status: criteria provided, single submitter. Criteria: ACMG Guidelines, 2015. Collection method: clinical testing. Allele origin: germline.
Comment: This variant causes an A to G nucleotide substitution at the +6 position of intron 3 of the TNNI3 gene. To our knowledge, functional studies have not been reported for this variant. This variant has not been reported in individuals affected with TNNI3-related disorders in the literature. This variant has not been identified in the general population by the Genome Aggregation Database (gnomAD). The available evidence is insufficient to determine the role of this variant in disease conclusively. Therefore, this variant is classified as a Variant of Uncertain Significance.